The following is an entry in ClinVar:

ClinVar aggregate classification (germline): Uncertain significance. Review status: criteria provided, multiple submitters, no conflicts (2 of 4 stars). 3 submissions from 3 submitters: Uncertain significance (3). Last evaluated 2025-12-15.

Conditions:
Inborn genetic diseases. Identifiers: MedGen C0950123, MeSH D030342.

gnomAD v4.1: 11 of 1,614,068 alleles (0.00068%); highest among the groups gnomAD compares: Middle Eastern, 0.033%; no homozygotes.

Submissions (3):

Ambry Genetics
Classification: Uncertain significance for Inborn genetic diseases. Last evaluated: 2025-12-15. Review status: criteria provided, single submitter. Criteria: Ambry Variant Classification Scheme 2023. Collection method: clinical testing. Allele origin: germline.

Women's Health and Genetics/Laboratory Corporation of America, LabCorp
Classification: Uncertain significance. Last evaluated: 2025-02-04. Review status: criteria provided, single submitter. Criteria: LabCorp Variant Classification Summary - May 2015. Collection method: clinical testing. Allele origin: germline.
Comment: Variant summary: SPARC c.614G>T (p.Arg205Leu) results in a non-conservative amino acid change located in the Calcium-binding domain (IPR019577) of the encoded protein sequence. Four of five in-silico tools predict a damaging effect of the variant on protein function. The variant allele was found at a frequency of 1.2e-05 in 251180 control chromosomes. The available data on variant occurrences in the general population are insufficient to allow any conclusion about variant significance. To our knowledge, no occurrence of c.614G>T in individuals affected with Osteogenesis Imperfecta, Type Xvii and no experimental evidence demonstrating its impact on protein function have been reported. ClinVar contains an entry for this variant (Variation ID: 1900190). Based on the evidence outlined above, the variant was classified as uncertain significance.

Labcorp Genetics (formerly Invitae), Labcorp
Classification: Uncertain significance. Last evaluated: 2022-05-17. Review status: criteria provided, single submitter. Criteria: Invitae Variant Classification Sherloc (09022015). Collection method: clinical testing. Allele origin: germline.
Comment: This sequence change replaces arginine, which is basic and polar, with leucine, which is neutral and non-polar, at codon 205 of the SPARC protein (p.Arg205Leu). This variant is present in population databases (rs369034301, gnomAD 0.003%). This variant has not been reported in the literature in individuals affected with SPARC-related conditions. Algorithms developed to predict the effect of missense changes on protein structure and function are either unavailable or do not agree on the potential impact of this missense change (SIFT: "Deleterious"; PolyPhen-2: "Possibly Damaging"; Align-GVGD: "Class C0"). In summary, the available evidence is currently insufficient to determine the role of this variant in disease. Therefore, it has been classified as a Variant of Uncertain Significance.

NM_003118.4(SPARC):c.614G>T (p.Arg205Leu)

Gene: SPARC (secreted protein acidic and cysteine rich; minus strand). Cytogenetic location: 5q33.1.
Variant type: single nucleotide variant.
Coding change: c.614G>T on transcript NM_003118.4 (MANE Select); coding-DNA position 614, G replaced by T.
Protein change: p.Arg205Leu; replaces arginine 205 with leucine.
Molecular consequence: missense variant.
Genome position (GRCh38, 1-based): chr5:151,666,481, C>A on the plus strand (G>T on the coding strand, the complement: SPARC is on the minus strand). VCF-style: chr5-151666481-C-A. GRCh37 (hg19) VCF-style: chr5-151046042-C-A.
Other names: c.611G>T, p.Arg204Leu (NM_001309443.2); c.614G>T, p.Arg205Leu (NM_001309444.2); c.614G>T (NM_003118.2); short protein forms R204L, R205L.
Identifiers: ClinVar variation 1900190 (VCV001900190.4), dbSNP rs369034301, ClinGen allele CA3522631.